The following is an entry in ClinVar:

ClinVar aggregate classification (germline): Benign. Review status: criteria provided, multiple submitters, no conflicts (2 of 4 stars). 13 submissions from 13 submitters: Benign (10). 3 of the submissions do not count toward it. Last evaluated 2026-03-27.

Conditions:
Renal tubular acidosis with progressive nerve deafness. Also called: renal tubular acidosis, distal, 2, with progressive sensorineural hearing loss; Distal Renal Tubular Acidosis with Progressive Sensorineural Deafness; RENAL TUBULAR ACIDOSIS, AUTOSOMAL RECESSIVE, WITH PROGRESSIVE NERVE DEAFNESS; RTA WITH PROGRESSIVE NERVE DEAFNESS. Identifiers: MedGen C0403554, MONDO:0009968, OMIM 267300.

Allele frequency attached by ClinVar (database versions not stated): ESP Exome Variant Server 0.35830; gnomAD 0.37260 and 0.38597; TOPMed 0.38321; 1000 Genomes Project 30x 0.42692; 1000 Genomes Project 0.43750; gnomAD exomes 0.46084 and 0.47709; ExAC 0.46902.

Submissions (13):

Women's Health and Genetics/Laboratory Corporation of America, LabCorp
Classification: Benign. Last evaluated: 2026-03-27. Review status: criteria provided, single submitter. Criteria: LabCorp Variant Classification Summary - May 2015. Collection method: clinical testing. Allele origin: germline.

Labcorp Genetics (formerly Invitae), Labcorp
Classification: Benign. Last evaluated: 2026-02-04. Review status: criteria provided, single submitter. Criteria: Invitae Variant Classification Sherloc (09022015). Collection method: clinical testing. Allele origin: germline.

Blueprint Genetics
Classification: Benign. Last evaluated: 2024-11-26. Review status: criteria provided, single submitter. Criteria: ACMG Guidelines, 2015. Collection method: clinical testing. Allele origin: germline.

Mayo Clinic Laboratories, Mayo Clinic
Classification: Benign. Last evaluated: 2022-03-09. Review status: criteria provided, single submitter. Criteria: ACMG Guidelines, 2015. Collection method: clinical testing. Allele origin: germline. Observed: 226 variant alleles.

Genome-Nilou Lab
Classification: Benign for Renal tubular acidosis with progressive nerve deafness. Last evaluated: 2021-07-10. Review status: criteria provided, single submitter. Criteria: ACMG Guidelines, 2015. Collection method: clinical testing. Allele origin: germline. Affected: no.

Illumina Laboratory Services, Illumina
Classification: Benign for Renal tubular acidosis with progressive nerve deafness. Last evaluated: 2018-01-13. Review status: criteria provided, single submitter. Criteria: ICSL Variant Classification Criteria 13 December 2019. Collection method: clinical testing. Allele origin: germline.
Comment: This variant was observed in the ICSL laboratory as part of a predisposition screen in an ostensibly healthy population. It had not been previously curated by ICSL or reported in the Human Gene Mutation Database (HGMD: prior to June 1st, 2018), and was therefore a candidate for classification through an automated scoring system. Utilizing variant allele frequency, disease prevalence and penetrance estimates, and inheritance mode, an automated score was calculated to assess if this variant is too frequent to cause the disease. Based on the score and internal cut-off values, a variant classified as benign is not then subjected to further curation. The score for this variant resulted in a classification of benign for this disease.

GeneDx
Classification: Benign. Last evaluated: 2017-05-09. Review status: criteria provided, single submitter. Criteria: GeneDx Variant Classification (06012015). Collection method: clinical testing. Allele origin: germline. Affected: yes.
Comment: This variant is considered likely benign or benign based on one or more of the following criteria: it is a conservative change, it occurs at a poorly conserved position in the protein, it is predicted to be benign by multiple in silico algorithms, and/or has population frequency not consistent with disease.

Laboratory for Molecular Medicine, Mass General Brigham Personalized Medicine
Classification: Benign. Last evaluated: 2012-05-07. Review status: criteria provided, single submitter. Criteria: LMM Criteria. Collection method: clinical testing. Allele origin: germline. Observed: 1,148 variant alleles.
Comment: "Arg334Arg in Exon 10 of ATP6V1B1: This variant is not expected to have clinical significance because it does not alter an amino acid residue, is not located wi thin the splice consensus sequence, and has been identified in 44.6% (3132/7020) of European American chromosomes from a broad population by the NHLBI Exome Seq uencing Project (dbSNP rs2072462)."

Breakthrough Genomics
Classification: Benign. Review status: criteria provided, single submitter. Criteria: ACMG Guidelines, 2015. Collection method: not provided. Allele origin: germline. Inheritance: Autosomal recessive inheritance. Affected: yes.

PreventionGenetics, part of Exact Sciences
Classification: Benign. Review status: criteria provided, single submitter. Criteria: ACMG Guidelines, 2015. Collection method: clinical testing. Allele origin: germline.

Natera, Inc.
Classification: Benign for Renal tubular acidosis with progressive nerve deafness. Last evaluated: 2020-09-16. Review status: no assertion criteria provided. Collection method: clinical testing. Allele origin: germline. Not counted in ClinVar's aggregate classification.

Diagnostic Laboratory, Department of Genetics, University Medical Center Groningen
Classification: Benign. Review status: no assertion criteria provided. Collection method: clinical testing. Allele origin: germline. Affected: yes. Study: VKGL Data-share Consensus. Not counted in ClinVar's aggregate classification.

Joint Genome Diagnostic Labs from Nijmegen and Maastricht, Radboudumc and MUMC+
Classification: Benign. Review status: no assertion criteria provided. Collection method: clinical testing. Allele origin: germline. Affected: yes. Study: VKGL Data-share Consensus. Not counted in ClinVar's aggregate classification.

NM_001692.4(ATP6V1B1):c.1002C>T (p.Arg334=)

Gene: ATP6V1B1 (ATPase H+ transporting V1 subunit B1; plus strand). Cytogenetic location: 2p13.3.
Variant type: single nucleotide variant.
Coding change: c.1002C>T on transcript NM_001692.4 (MANE Select); coding-DNA position 1002, C replaced by T.
Protein change: p.Arg334=; no amino-acid change (arginine 334 retained).
Molecular consequence: synonymous variant.
Genome position (GRCh38, 1-based): chr2:70,963,254, C>T. VCF-style: chr2-70963254-C-T. GRCh37 (hg19) VCF-style: chr2-71190384-C-T.
Other names: p.Arg334=.
Identifiers: ClinVar variation 44222 (VCV000044222.30), dbSNP rs2072462, ClinGen allele CA133773.
Genomic context (GRCh38, chr2:70,963,254, plus strand): 5'-CCGAGGGTTTCCTGGATATATGTACACAGACCTGGCCACCATCTACGAGCGGGCGGGCCG[C>T]GTGGAGGGTCGGGGAGGATCCATCACACAGATCCCCATCCTCACCATGCCCAACGACGGT-3'
Protein context (NP_001683.2, residues 324-344): DLATIYERAG[Arg334=]VEGRGGSITQ